The following is an entry in ClinVar:

GRCh38/hg38 13q31.3(chr13:91521052-91597567)x1

Gene: GPC5 (glypican 5; plus strand). Cytogenetic location: 13q31.3.
Variant type: copy number loss.
Change: copy number 1 (one copy instead of two) of chr13:91,521,052-91,597,567 (76.5 kb, GRCh38 coordinates, 1-based), cytogenetic band 13q31.3.
Identifiers: ClinVar variation 145224 (VCV000145224.1).

ClinVar aggregate classification (germline): Benign/Likely benign (0 of 4 stars; one submission).

Submission:

GeneDx
Classification: Benign/Likely benign. Last evaluated: 2011-04-30. Review status: no assertion criteria provided. Collection method: clinical testing. Allele origin: not provided. Affected: yes. Observed: 2 variant alleles.
Comment: Likely benign (1), Benign (1)